The following is an entry in ClinVar:

ClinVar aggregate classification (germline): Uncertain significance. Review status: criteria provided, multiple submitters, no conflicts (2 of 4 stars). 2 submissions from 2 submitters: Uncertain significance (2). Last evaluated 2026-04-26.

Conditions:
Gastrointestinal stromal tumor. Also called: Gastrointestinal stromal tumor, somatic; Gastrointestinal stroma tumor. Identifiers: Orphanet 44890, MedGen C0238198, MeSH D046152, MONDO:0011719, OMIM 606764, HP:0100723.
Hereditary cancer-predisposing syndrome. Also called: Tumor predisposition; Hereditary Cancer Syndrome; Neoplastic Syndromes, Hereditary; Hereditary neoplastic syndrome. Identifiers: Orphanet 140162, MedGen C0027672, MeSH D009386, MONDO:0015356.

Submissions (2):

Ambry Genetics
Classification: Uncertain significance for Hereditary cancer-predisposing syndrome. Last evaluated: 2026-04-26. Review status: criteria provided, single submitter. Criteria: Ambry Variant Classification Scheme 2023. Collection method: clinical testing. Allele origin: germline.
Comment: The p.F798L variant (also known as c.2392T>C), located in coding exon 16 of the PDGFRA gene, results from a T to C substitution at nucleotide position 2392. The phenylalanine at codon 798 is replaced by leucine, an amino acid with highly similar properties. This amino acid position is conserved. In addition, this alteration is predicted to be deleterious by in silico analysis. Based on the available evidence, the clinical significance of this variant remains unclear.

Labcorp Genetics (formerly Invitae), Labcorp
Classification: Uncertain significance for Gastrointestinal stromal tumor. Last evaluated: 2025-08-18. Review status: criteria provided, single submitter. Criteria: Invitae Variant Classification Sherloc (09022015). Collection method: clinical testing. Allele origin: germline.
Comment: This sequence change replaces phenylalanine, which is neutral and non-polar, with leucine, which is neutral and non-polar, at codon 798 of the PDGFRA protein (p.Phe798Leu). This variant is not present in population databases (gnomAD no frequency). This variant has not been reported in the literature in individuals affected with PDGFRA-related conditions. Invitae Evidence Modeling of protein sequence and biophysical properties (such as structural, functional, and spatial information, amino acid conservation, physicochemical variation, residue mobility, and thermodynamic stability) indicates that this missense variant is not expected to disrupt PDGFRA protein function with a negative predictive value of 80%. In summary, the available evidence is currently insufficient to determine the role of this variant in disease. Therefore, it has been classified as a Variant of Uncertain Significance.

NM_006206.6(PDGFRA):c.2392T>C (p.Phe798Leu)

Gene: PDGFRA (platelet derived growth factor receptor alpha; plus strand). Cytogenetic location: 4q12.
Variant type: single nucleotide variant.
Coding change: c.2392T>C on transcript NM_006206.6 (MANE Select); coding-DNA position 2392, T replaced by C.
Protein change: p.Phe798Leu; replaces phenylalanine 798 with leucine.
Molecular consequence: missense variant.
Genome position (GRCh38, 1-based): chr4:54,285,439, T>C. VCF-style: chr4-54285439-T-C. GRCh37 (hg19) VCF-style: chr4-55151606-T-C.
Other names: c.2467T>C, p.Phe823Leu (NM_001347828.2); c.2392T>C, p.Phe798Leu (NM_001347829.2); c.2431T>C, p.Phe811Leu (NM_001347830.2); short protein forms F798L, F823L, F811L.
Identifiers: ClinVar variation 4743306 (VCV004743306.2).
Genomic context (GRCh38, chr4:54,285,439, plus strand): 5'-GTCAAAAACCTCCTTTCAGATGATAACTCAGAAGGCCTTACTTTATTGGATTTGTTGAGC[T>C]TCACCTATCAAGTTGCCCGAGGAATGGAGTTTTTGGCTTCAAAAAATGTAAGTTCAAGGA-3'
Protein context (NP_006197.1, residues 788-808): EGLTLLDLLS[Phe798Leu]TYQVARGMEF